The following is an entry in ClinVar:

NM_000726.5(CACNB4):c.571A>T (p.Thr191Ser)

Gene: CACNB4 (calcium voltage-gated channel auxiliary subunit beta 4; minus strand). Cytogenetic location: 2q23.3.
Variant type: single nucleotide variant.
Coding change: c.571A>T on transcript NM_000726.5 (MANE Select); coding-DNA position 571, A replaced by T.
Protein change: p.Thr191Ser; replaces threonine 191 with serine.
Molecular consequence: missense variant. On other transcripts: 5 prime UTR variant (1).
Genome position (GRCh38, 1-based): chr2:151,872,444, T>A on the plus strand (A>T on the coding strand, the complement: CACNB4 is on the minus strand). VCF-style: chr2-151872444-T-A. GRCh37 (hg19) VCF-style: chr2-152728958-T-A.
Other names: c.517A>T, p.Thr173Ser (NM_001005746.4, NM_001330113.2); c.469A>T, p.Thr157Ser (NM_001005747.4, NM_001330115.2); c.571A>T, p.Thr191Ser (NM_001145798.3); c.430A>T, p.Thr144Ser (NM_001320722.3, NM_001330116.2, NM_001330118.2); c.-64A>T (NM_001330114.2); c.13A>T, p.Thr5Ser (NM_001330117.2); short protein forms T191S, T144S, T173S, T5S, T157S.
Identifiers: ClinVar variation 585589 (VCV000585589.11), dbSNP rs746415223, ClinGen allele CA57673935.

ClinVar aggregate classification (germline): Uncertain significance. Review status: criteria provided, multiple submitters, no conflicts (2 of 4 stars). 3 submissions from 3 submitters: Uncertain significance (3). Last evaluated 2025-09-01.

Conditions:
Idiopathic generalized epilepsy. Also called: Generalised epilepsy; EIG. Identifiers: MedGen C0270850, MONDO:0005579, OMIM 600669.

Allele frequency attached by ClinVar (database versions not stated): gnomAD 0.00001 and 0.00002; gnomAD exomes 0.00001; TOPMed 0.00001.
gnomAD v4.1: 18 of 1,604,274 alleles (0.0011%); highest among the groups gnomAD compares: Non-Finnish European, 0.0015%; no homozygotes.

Submissions (3):

Ambry Genetics
Classification: Uncertain significance. Last evaluated: 2025-09-01. Review status: criteria provided, single submitter. Criteria: Ambry Variant Classification Scheme 2023. Collection method: clinical testing. Allele origin: germline.

Labcorp Genetics (formerly Invitae), Labcorp
Classification: Uncertain significance for Idiopathic generalized epilepsy. Last evaluated: 2022-02-24. Review status: criteria provided, single submitter. Criteria: Invitae Variant Classification Sherloc (09022015). Collection method: clinical testing. Allele origin: germline.
Comment: In summary, the available evidence is currently insufficient to determine the role of this variant in disease. Therefore, it has been classified as a Variant of Uncertain Significance. Algorithms developed to predict the effect of missense changes on protein structure and function (SIFT, PolyPhen-2, Align-GVGD) all suggest that this variant is likely to be tolerated. ClinVar contains an entry for this variant (Variation ID: 585589). This variant has not been reported in the literature in individuals affected with CACNB4-related conditions. This variant is present in population databases (rs746415223, gnomAD 0.01%). This sequence change replaces threonine, which is neutral and polar, with serine, which is neutral and polar, at codon 191 of the CACNB4 protein (p.Thr191Ser).

Athena Diagnostics
Classification: Uncertain significance. Last evaluated: 2018-05-14. Review status: criteria provided, single submitter. Criteria: Athena Diagnostics Criteria. Collection method: clinical testing. Allele origin: germline.